The following is an entry in ClinVar:

NM_006904.7(PRKDC):c.5464C>T (p.Arg1822Cys)

Gene: PRKDC (protein kinase, DNA-activated, catalytic subunit; minus strand). Cytogenetic location: 8q11.21.
Variant type: single nucleotide variant.
Coding change: c.5464C>T on transcript NM_006904.7 (MANE Select); coding-DNA position 5464, C replaced by T.
Protein change: p.Arg1822Cys; replaces arginine 1822 with cysteine.
Molecular consequence: missense variant.
Genome position (GRCh38, 1-based): chr8:47,864,663, G>A on the plus strand (C>T on the coding strand, the complement: PRKDC is on the minus strand). VCF-style: chr8-47864663-G-A. GRCh37 (hg19) VCF-style: chr8-48777224-G-A.
Other names: c.5464C>T (NM_006904.6); c.5464C>T, p.Arg1822Cys (NM_001081640.2); short protein forms R1822C.
Identifiers: ClinVar variation 1445054 (VCV001445054.5), dbSNP rs377127342, ClinGen allele CA4740631.

ClinVar aggregate classification (germline): Uncertain significance. Review status: criteria provided, multiple submitters, no conflicts (2 of 4 stars). 2 submissions from 2 submitters: Uncertain significance (2). Last evaluated 2026-10-01.

Conditions:
Severe combined immunodeficiency due to DNA-PKcs deficiency. Also called: IMMUNODEFICIENCY 26 WITH NEUROLOGIC ABNORMALITIES; Immunodeficiency 26 with or without neurologic abnormalities. Identifiers: Orphanet 317425, MedGen C4014833, MONDO:0014423, OMIM 615966.

Allele frequency attached by ClinVar (database versions not stated): gnomAD exomes 0.00002 and 0.00003; ExAC 0.00003; gnomAD 0.00004 and 0.00003; TOPMed 0.00008; ESP Exome Variant Server 0.00008.
gnomAD v4.1: 41 of 1,608,044 alleles (0.0025%); highest among the groups gnomAD compares: African/African-American, 0.0094%; no homozygotes.

Submissions (2):

GeneDx
Classification: Uncertain significance. Last evaluated: 2026-10-01. Review status: criteria provided, single submitter. Criteria: GeneDx Variant Classification Process June 2021. Collection method: clinical testing. Allele origin: germline.
Comment: In silico analysis supports that this missense variant has a deleterious effect on protein structure/function; Has not been previously published as pathogenic or benign to our knowledge

Labcorp Genetics (formerly Invitae), Labcorp
Classification: Uncertain significance for Severe combined immunodeficiency due to DNA-PKcs deficiency. Last evaluated: 2024-10-21. Review status: criteria provided, single submitter. Criteria: Invitae Variant Classification Sherloc (09022015). Collection method: clinical testing. Allele origin: germline.
Comment: This sequence change replaces arginine, which is basic and polar, with cysteine, which is neutral and slightly polar, at codon 1822 of the PRKDC protein (p.Arg1822Cys). This variant is present in population databases (rs377127342, gnomAD 0.04%). This variant has not been reported in the literature in individuals affected with PRKDC-related conditions. ClinVar contains an entry for this variant (Variation ID: 1445054). Invitae Evidence Modeling of protein sequence and biophysical properties (such as structural, functional, and spatial information, amino acid conservation, physicochemical variation, residue mobility, and thermodynamic stability) indicates that this missense variant is expected to disrupt PRKDC protein function with a positive predictive value of 80%. In summary, the available evidence is currently insufficient to determine the role of this variant in disease. Therefore, it has been classified as a Variant of Uncertain Significance.